The following is an entry in ClinVar:

NM_001376.5(DYNC1H1):c.4775T>C (p.Leu1592Pro)

Gene: DYNC1H1 (dynein cytoplasmic 1 heavy chain 1; plus strand). Cytogenetic location: 14q32.31.
Variant type: single nucleotide variant.
Coding change: c.4775T>C on transcript NM_001376.5 (MANE Select); coding-DNA position 4775, T replaced by C.
Protein change: p.Leu1592Pro; replaces leucine 1592 with proline.
Molecular consequence: missense variant.
Genome position (GRCh38, 1-based): chr14:102,002,857, T>C. VCF-style: chr14-102002857-T-C. GRCh37 (hg19) VCF-style: chr14-102469194-T-C.
Other names: short protein forms L1592P.
Identifiers: ClinVar variation 3636146 (VCV003636146.2).
Genomic context (GRCh38, chr14:102,002,857, plus strand): 5'-GCACTGAGTTTTTGGCTCTAATGAAAAAAGTGTCCAAGTCTCCCCTTGTTATGGATGTTC[T>C]GAACATCCAGGGAGTACAGAGGTCTCTGGAAAGATTGGCAGACCTGCTAGGAAAGATCCA-3'
Protein context (NP_001367.2, residues 1582-1602): VSKSPLVMDV[Leu1592Pro]NIQGVQRSLE

ClinVar aggregate classification (germline): Uncertain significance (1 of 4 stars; one submission).

Conditions:
Charcot-Marie-Tooth disease axonal type 2O. Also called: Charcot-Marie-Tooth disease, axonal, type 20; CHARCOT-MARIE-TOOTH NEUROPATHY, AXONAL, TYPE 2O; CHARCOT-MARIE-TOOTH DISEASE, AXONAL, AUTOSOMAL DOMINANT, TYPE 2O; Charcot-Marie-Tooth Neuropathy Type 2O. Identifiers: Orphanet 284232, MedGen C3280220, MONDO:0013644, OMIM 614228.

Submission:

Labcorp Genetics (formerly Invitae), Labcorp
Classification: Uncertain significance for Charcot-Marie-Tooth disease axonal type 2O. Last evaluated: 2024-04-25. Review status: criteria provided, single submitter. Criteria: Invitae Variant Classification Sherloc (09022015). Collection method: clinical testing. Allele origin: germline.
Comment: This sequence change replaces leucine, which is neutral and non-polar, with proline, which is neutral and non-polar, at codon 1592 of the DYNC1H1 protein (p.Leu1592Pro). This variant is not present in population databases (gnomAD no frequency). This variant has not been reported in the literature in individuals affected with DYNC1H1-related conditions. This missense change has been observed in at least one individual who was not affected with DYNC1H1-related conditions (Invitae). Advanced modeling of protein sequence and biophysical properties (such as structural, functional, and spatial information, amino acid conservation, physicochemical variation, residue mobility, and thermodynamic stability) performed at Invitae indicates that this missense variant is expected to disrupt DYNC1H1 protein function with a positive predictive value of 95%. In summary, the available evidence is currently insufficient to determine the role of this variant in disease. Therefore, it has been classified as a Variant of Uncertain Significance.